The following is an entry in ClinVar:

ClinVar aggregate classification (germline): Uncertain significance (1 of 4 stars; one submission).

Conditions:
Hereditary spastic paraplegia 63. Also called: Spastic paraplegia 63, autosomal recessive. Identifiers: Orphanet 401805, MedGen C3810295, MONDO:0014305, OMIM 615686.
Pontocerebellar hypoplasia type 9. Identifiers: Orphanet 369920, MedGen C4014354, MONDO:0014351, OMIM 615809.

Submission:

Labcorp Genetics (formerly Invitae), Labcorp
Classification: Uncertain significance for Pontocerebellar hypoplasia type 9; Hereditary spastic paraplegia 63. Last evaluated: 2022-08-31. Review status: criteria provided, single submitter. Criteria: Invitae Variant Classification Sherloc (09022015). Collection method: clinical testing. Allele origin: germline.
Comment: This variant has not been reported in the literature in individuals affected with AMPD2-related conditions. This sequence change replaces phenylalanine, which is neutral and non-polar, with serine, which is neutral and polar, at codon 71 of the AMPD2 protein (p.Phe71Ser). This variant is not present in population databases (gnomAD no frequency). Algorithms developed to predict the effect of missense changes on protein structure and function (SIFT, PolyPhen-2, Align-GVGD) all suggest that this variant is likely to be tolerated. In summary, the available evidence is currently insufficient to determine the role of this variant in disease. Therefore, it has been classified as a Variant of Uncertain Significance.

NM_001368809.2(AMPD2):c.50T>C (p.Phe17Ser)

Genes: AMPD2 (adenosine monophosphate deaminase 2; plus strand), LOC129931109 (ATAC-STARR-seq lymphoblastoid active region 1448; plus strand). Cytogenetic location: 1p13.3.
Variant type: single nucleotide variant.
Coding change: c.50T>C on transcript NM_001368809.2 (MANE Select); coding-DNA position 50, T replaced by C.
Protein change: p.Phe17Ser; replaces phenylalanine 17 with serine.
Molecular consequence: missense variant. On other transcripts: synonymous variant (1), intron variant (1).
Genome position (GRCh38, 1-based): chr1:109,621,225, T>C. VCF-style: chr1-109621225-T-C. GRCh37 (hg19) VCF-style: chr1-110163847-T-C.
Other names: c.212T>C, p.Phe71Ser (NM_001257360.2); c.118T>C, p.Leu40= (NM_001308170.1); c.50T>C, p.Phe17Ser (NM_004037.9); c.10+947T>C (NM_139156.4); short protein forms F17S, F71S.
Identifiers: ClinVar variation 2003224 (VCV002003224.4), dbSNP rs2524377874, ClinGen allele CA341549383.